The following is an entry in ClinVar:

NM_001199799.2(ILDR1):c.942C>A (p.Cys314Ter)

Gene: ILDR1 (immunoglobulin like domain containing receptor 1; minus strand). Cytogenetic location: 3q13.33.
Variant type: single nucleotide variant.
Coding change: c.942C>A on transcript NM_001199799.2 (MANE Select); coding-DNA position 942, C replaced by A.
Protein change: p.Cys314Ter; replaces cysteine 314 with a stop codon.
Molecular consequence: nonsense.
Genome position (GRCh38, 1-based): chr3:121,993,807, G>T on the plus strand (C>A on the coding strand, the complement: ILDR1 is on the minus strand). VCF-style: chr3-121993807-G-T. GRCh37 (hg19) VCF-style: chr3-121712654-G-T.
Other names: c.675C>A, p.Cys225Ter (NM_001199800.2); c.810C>A, p.Cys270Ter (NM_175924.4); short protein forms C225*, C270*, C314*.
Identifiers: ClinVar variation 695027 (VCV000695027.7), dbSNP rs752714222, ClinGen allele CA2568784.
Genomic context (GRCh38, chr3:121,993,807, plus strand): 5'-TGGGGGCAGGTGGATGATTCTGCGTTCCACGACCTCAGAGCCCAGGGAGGACAGCATGCT[G>T]CAGGGATGGCCAAATCTGCCTTTGAGGTCAGGGGGCAGAGGCTGGGCCAGGTTGAGGTTC-3'

ClinVar aggregate classification (germline): Pathogenic/Likely pathogenic. Review status: criteria provided, multiple submitters, no conflicts (2 of 4 stars). 4 submissions from 4 submitters: Pathogenic (3); Likely pathogenic (1). Last evaluated 2024-11-25.

Conditions:
ILDR1-related disorders.
Autosomal recessive nonsyndromic hearing loss 42. Identifiers: Orphanet 90636, MedGen C1864818, MONDO:0012326, OMIM 609646.

Allele frequency attached by ClinVar (database versions not stated): gnomAD exomes 0.00002; TOPMed 0.00003; gnomAD 0.00006.

Submissions (4):

Blueprint Genetics
Classification: Likely pathogenic for ILDR1-related disorders. Last evaluated: 2024-11-25. Review status: criteria provided, single submitter. Criteria: ACMG Guidelines, 2015. Collection method: clinical testing. Allele origin: germline. Affected: yes. Observed: 5 variant alleles.

Labcorp Genetics (formerly Invitae), Labcorp
Classification: Pathogenic. Last evaluated: 2024-11-11. Review status: criteria provided, single submitter. Criteria: Invitae Variant Classification Sherloc (09022015). Collection method: clinical testing. Allele origin: germline.
Comment: This sequence change creates a premature translational stop signal (p.Cys314*) in the ILDR1 gene. It is expected to result in an absent or disrupted protein product. Loss-of-function variants in ILDR1 are known to be pathogenic (PMID: 21255762). This variant is present in population databases (rs752714222, gnomAD 0.006%). This premature translational stop signal has been observed in individual(s) with autosomal recessive deafness (PMID: 26226137). ClinVar contains an entry for this variant (Variation ID: 695027). For these reasons, this variant has been classified as Pathogenic.

GeneDx
Classification: Pathogenic. Last evaluated: 2024-09-11. Review status: criteria provided, single submitter. Criteria: GeneDx Variant Classification Process June 2021. Collection method: clinical testing. Allele origin: germline. Affected: yes.
Comment: Nonsense variant predicted to result in protein truncation or nonsense mediated decay in a gene for which loss of function is a known mechanism of disease; Not observed at significant frequency in large population cohorts (gnomAD); This variant is associated with the following publications: (PMID: 34426522, 36660029, 34440452, 28713423, 26226137)

Center of Genomic medicine, Geneva, University Hospital of Geneva
Classification: Pathogenic for Autosomal recessive nonsyndromic hearing loss 42. Last evaluated: 2018-08-09. Review status: criteria provided, single submitter. Criteria: ACMG Guidelines, 2015. Collection method: clinical testing. Allele origin: germline. Affected: yes. Observed: 3 variant alleles.

Literature cited by the submitters: PubMed 21255762 (cited by Labcorp Genetics (formerly Invitae), Labcorp); PubMed 26226137 (cited by Labcorp Genetics (formerly Invitae), Labcorp).